The following is an entry in ClinVar:

ClinVar aggregate classification (germline): Likely pathogenic (1 of 4 stars; one submission).

Conditions:
Inborn genetic diseases. Identifiers: MedGen C0950123, MeSH D030342.

Submission:

Ambry Genetics
Classification: Likely pathogenic for Inborn genetic diseases. Last evaluated: 2025-01-15. Review status: criteria provided, single submitter. Criteria: Ambry Variant Classification Scheme 2023. Collection method: clinical testing. Allele origin: germline.
Comment: The c.3370C>T (p.P1124S) alteration is located in exon 22 (coding exon 22) of the CHD5 gene. This alteration results from a C to T substitution at nucleotide position 3370, causing the proline (P) at amino acid position 1124 to be replaced by a serine (S). This variant was not reported in population-based cohorts in the Genome Aggregation Database (gnomAD). Another variant at the same codon, c.3371C>T (p.P1124L) has been identified in an individual with features consistent with CHD5-related neurodevelopmental disorder (Parenti, 2021). This amino acid position is highly conserved in available vertebrate species. This missense alteration is located in a region that has a low rate of benign missense variation (Lek, 2016; Firth, 2009). This alteration is predicted to be deleterious by in silico analysis. Based on the available evidence, this alteration is classified as likely pathogenic.

Literature cited by the submitters: PubMed 33944996.

NM_015557.3(CHD5):c.3370C>T (p.Pro1124Ser)

Gene: CHD5 (chromodomain helicase DNA binding protein 5; minus strand). Cytogenetic location: 1p36.31.
Variant type: single nucleotide variant.
Coding change: c.3370C>T on transcript NM_015557.3 (MANE Select); coding-DNA position 3370, C replaced by T.
Protein change: p.Pro1124Ser; replaces proline 1124 with serine.
Molecular consequence: missense variant.
Genome position (GRCh38, 1-based): chr1:6,130,221, G>A on the plus strand (C>T on the coding strand, the complement: CHD5 is on the minus strand). VCF-style: chr1-6130221-G-A. GRCh37 (hg19) VCF-style: chr1-6190281-G-A.
Other names: short protein forms P1124S.
Identifiers: ClinVar variation 3832812 (VCV003832812.1).